The following is an entry in ClinVar:

ClinVar aggregate classification (germline): Benign (1 of 4 stars; one submission).

Conditions:
Familial cancer of breast. Also called: BREAST CANCER, FAMILIAL; Hereditary breast cancer; hereditary breast carcinoma. Identifiers: Orphanet 227535, MedGen C0346153, MONDO:0016419, OMIM 114480. Disease mechanism: loss of function.

Submission:

Myriad Genetics, Inc.
Classification: Benign for Familial cancer of breast. Last evaluated: 2024-04-24. Review status: criteria provided, single submitter. Criteria: Myriad Autosomal Dominant, Autosomal Recessive and X-Linked Classification Criteria (2023). Collection method: clinical testing. Allele origin: unknown.
Comment: This variant is considered benign. This variant is a silent/synonymous amino acid change and it is not expected to impact splicing.

NM_000051.4(ATM):c.1033T>C (p.Leu345=)

Gene: ATM (ATM serine/threonine kinase; plus strand). Cytogenetic location: 11q22.3.
Variant type: single nucleotide variant.
Coding change: c.1033T>C on transcript NM_000051.4 (MANE Select); coding-DNA position 1033, T replaced by C.
Protein change: p.Leu345=; no amino-acid change (leucine 345 retained).
Molecular consequence: synonymous variant.
Genome position (GRCh38, 1-based): chr11:108,247,095, T>C. VCF-style: chr11-108247095-T-C. GRCh37 (hg19) VCF-style: chr11-108117822-T-C.
Other names: c.1033T>C, p.Leu345= (NM_001351834.2).
Identifiers: ClinVar variation 3254043 (VCV003254043.1), dbSNP rs2135268530.
Genomic context (GRCh38, chr11:108,247,095, plus strand): 5'-CATATAGGAAGTAGAGGAAAGTATTCTTCAGGATTTCGTAATATTGCCGTCAAAGAAAAT[T>C]TGATTGAATTGATGGCAGATATCTGTCACCAGGTACAGTAAGTAGGTCATGTCACATTTA-3'
Protein context (NP_000042.3, residues 335-355): GFRNIAVKEN[Leu345=]IELMADICHQ